The following is an entry in ClinVar:

NM_000203.5(IDUA):c.774C>A (p.Tyr258Ter)

Gene: IDUA (alpha-L-iduronidase; plus strand). Cytogenetic location: 4p16.3.
Variant type: single nucleotide variant.
Coding change: c.774C>A on transcript NM_000203.5 (MANE Select); coding-DNA position 774, C replaced by A.
Protein change: p.Tyr258Ter; replaces tyrosine 258 with a stop codon.
Molecular consequence: nonsense. On other transcripts: non-coding transcript variant (1).
Genome position (GRCh38, 1-based): chr4:1,001,863, C>A. VCF-style: chr4-1001863-C-A. GRCh37 (hg19) VCF-style: chr4-995651-C-A.
Other names: c.378C>A, p.Tyr126Ter (NM_001363576.1); short protein forms Y126*, Y258*.
Identifiers: ClinVar variation 2852382 (VCV002852382.3), dbSNP rs1276524614, ClinGen allele CA355962241.

ClinVar aggregate classification (germline): Pathogenic (1 of 4 stars; one submission).

Conditions:
Mucopolysaccharidosis type 1. Also called: Mucopolysaccharidosis Type I; IDUA deficiency; MPS I. Identifiers: Orphanet 579, MedGen C0023786, MONDO:0001586.

Submission:

Labcorp Genetics (formerly Invitae), Labcorp
Classification: Pathogenic for Mucopolysaccharidosis type 1. Last evaluated: 2023-04-06. Review status: criteria provided, single submitter. Criteria: Invitae Variant Classification Sherloc (09022015). Collection method: clinical testing. Allele origin: germline.
Comment: This variant is not present in population databases (gnomAD no frequency). This variant has not been reported in the literature in individuals affected with IDUA-related conditions. For these reasons, this variant has been classified as Pathogenic. This sequence change creates a premature translational stop signal (p.Tyr258*) in the IDUA gene. It is expected to result in an absent or disrupted protein product. Loss-of-function variants in IDUA are known to be pathogenic (PMID: 11735025, 21480867).

Literature cited by the submitters: PubMed 11735025; PubMed 21480867.